The following is an entry in ClinVar:

ClinVar aggregate classification (germline): Uncertain significance (1 of 4 stars; one submission).

Conditions:
Arterial tortuosity syndrome (ATORS). Identifiers: Orphanet 3342, MedGen C1859726, MONDO:0008818, OMIM 208050.

Allele frequency attached by ClinVar (database versions not stated): TOPMed 0.00001.

Submission:

Labcorp Genetics (formerly Invitae), Labcorp
Classification: Uncertain significance for Arterial tortuosity syndrome. Last evaluated: 2022-04-22. Review status: criteria provided, single submitter. Criteria: Invitae Variant Classification Sherloc (09022015). Collection method: clinical testing. Allele origin: germline.
Comment: This sequence change replaces alanine, which is neutral and non-polar, with threonine, which is neutral and polar, at codon 141 of the SLC2A10 protein (p.Ala141Thr). This variant is not present in population databases (gnomAD no frequency). This variant has not been reported in the literature in individuals affected with SLC2A10-related conditions. ClinVar contains an entry for this variant (Variation ID: 535832). Advanced modeling of protein sequence and biophysical properties (such as structural, functional, and spatial information, amino acid conservation, physicochemical variation, residue mobility, and thermodynamic stability) performed at Invitae indicates that this missense variant is not expected to disrupt SLC2A10 protein function. In summary, the available evidence is currently insufficient to determine the role of this variant in disease. Therefore, it has been classified as a Variant of Uncertain Significance.

NM_030777.4(SLC2A10):c.421G>A (p.Ala141Thr)

Gene: SLC2A10 (solute carrier family 2 member 10; plus strand). Cytogenetic location: 20q13.12.
Variant type: single nucleotide variant.
Coding change: c.421G>A on transcript NM_030777.4 (MANE Select); coding-DNA position 421, G replaced by A.
Protein change: p.Ala141Thr; replaces alanine 141 with threonine.
Molecular consequence: missense variant.
Genome position (GRCh38, 1-based): chr20:46,725,457, G>A. VCF-style: chr20-46725457-G-A. GRCh37 (hg19) VCF-style: chr20-45354096-G-A.
Other names: short protein forms A141T.
Identifiers: ClinVar variation 535832 (VCV000535832.6), dbSNP rs756110797, ClinGen allele CA409266976.